The following is an entry in ClinVar:

ClinVar aggregate classification (germline): Uncertain significance (1 of 4 stars; one submission).

Submission:

Women's Health and Genetics/Laboratory Corporation of America, LabCorp
Classification: Uncertain significance. Last evaluated: 2026-04-27. Review status: criteria provided, single submitter. Criteria: LabCorp Variant Classification Summary - May 2015. Collection method: clinical testing. Allele origin: germline.
Comment: Variant summary: NOL3 c.7_11dupAACGC (p.Gln5ThrfsX221) causes a frameshift which results in an extension of the protein. The variant allele was found at a frequency of 4.1e-06 in 241636 control chromosomes. The available data on variant occurrences in the general population are insufficient to allow any conclusion about variant significance. To our knowledge, no occurrence of c.7_11dupAACGC in individuals affected with NOL3-related conditions and no experimental evidence demonstrating its impact on protein function have been reported. No submitters have cited clinical-significance assessments for this variant to ClinVar. Based on the evidence outlined above, the variant was classified as uncertain significance.

NM_001276309.3(NOL3):c.7_11dup (p.Gln5fs)

Gene: NOL3 (nucleolar protein 3; plus strand). Cytogenetic location: 16q22.1.
Variant type: Duplication.
Coding change: c.7_11dup on transcript NM_001276309.3 (MANE Select); coding-DNA positions 7 to 11, 5 bases duplicated (AACGC; older notation c.7_11dupAACGC).
Protein change: p.Gln5fs; shifts the reading frame from glutamine 5.
Molecular consequence: frameshift variant.
Genome position (GRCh38, 1-based): chr16:67,174,176-67,174,180, AACGC duplicated; duplicating any 5 consecutive bases within chr16:67,174,174-67,174,180 gives the same sequence; the c. name uses the placement nearest the transcript's 3' end. VCF-style (leftmost placement, unchanged base first): chr16-67174173-G-GGCAAC. GRCh37 (hg19) VCF-style: chr16-67208076-G-GGCAAC.
Other names: c.7_11dupAACGC (NM_003946.7); c.7_11dup, p.Gln5fs (NM_001185057.3, NM_001276307.3, NM_001276311.2 and 9 more transcripts); short protein forms Q5fs.
Identifiers: ClinVar variation 4849048 (VCV004849048.1).